The following is an entry in ClinVar:

ClinVar aggregate classification (germline): Uncertain significance. Review status: criteria provided, multiple submitters, no conflicts (2 of 4 stars). 2 submissions from 2 submitters: Uncertain significance (2). Last evaluated 2024-09-10.

Conditions:
Hereditary cancer-predisposing syndrome. Also called: Hereditary neoplastic syndrome; Neoplastic Syndromes, Hereditary; Hereditary Cancer Syndrome; Tumor predisposition. Identifiers: Orphanet 140162, MedGen C0027672, MeSH D009386, MONDO:0015356.
Ataxia-telangiectasia syndrome (AT). Also called: Ataxia-telangiectasia, complementation group D; Ataxia telangiectasia (A-T); Cerebello-oculocutaneous telangiectasia; Immunodeficiency with ataxia telangiectasia; ATAXIA-TELANGIECTASIA, COMPLEMENTATION GROUP A; ATAXIA-TELANGIECTASIA, FRESNO VARIANT. Identifiers: Orphanet 100, MedGen C0004135, MONDO:0008840, OMIM 208900.

Submissions (2):

Ambry Genetics
Classification: Uncertain significance for Hereditary cancer-predisposing syndrome. Last evaluated: 2024-09-10. Review status: criteria provided, single submitter. Criteria: Ambry Variant Classification Scheme 2023. Collection method: clinical testing. Allele origin: germline.
Comment: The p.C353R variant (also known as c.1057T>C), located in coding exon 7 of the ATM gene, results from a T to C substitution at nucleotide position 1057. The cysteine at codon 353 is replaced by arginine, an amino acid with highly dissimilar properties. This variant was detected as compound heterozygous with a second ATM p.Thr2921Arg c.8762C>G variant in two siblings with features associated with ataxia telangiectasia (Al-Muhaizea MA et al. Ann Hum Genet, 2022 Jan;86:34-44). This amino acid position is highly conserved in available vertebrate species. In addition, this alteration is predicted to be deleterious by in silico analysis. Based on the available evidence, the clinical significance of this variant remains unclear.

Labcorp Genetics (formerly Invitae), Labcorp
Classification: Uncertain significance for Ataxia-telangiectasia syndrome. Last evaluated: 2021-10-23. Review status: criteria provided, single submitter. Criteria: Invitae Variant Classification Sherloc (09022015). Collection method: clinical testing. Allele origin: germline.
Comment: This sequence change replaces cysteine with arginine at codon 353 of the ATM protein (p.Cys353Arg). The cysteine residue is highly conserved and there is a large physicochemical difference between cysteine and arginine. This variant is not present in population databases (ExAC no frequency). This variant has not been reported in the literature in individuals affected with ATM-related conditions. Advanced modeling of protein sequence and biophysical properties (such as structural, functional, and spatial information, amino acid conservation, physicochemical variation, residue mobility, and thermodynamic stability) performed at Invitae indicates that this missense variant is not expected to disrupt ATM protein function. In summary, the available evidence is currently insufficient to determine the role of this variant in disease. Therefore, it has been classified as a Variant of Uncertain Significance.

Literature cited by the submitters: PubMed 34582042 (cited by Ambry Genetics).

NM_000051.4(ATM):c.1057T>C (p.Cys353Arg)

Gene: ATM (ATM serine/threonine kinase; plus strand). Cytogenetic location: 11q22.3.
Variant type: single nucleotide variant.
Coding change: c.1057T>C on transcript NM_000051.4 (MANE Select); coding-DNA position 1057, T replaced by C.
Protein change: p.Cys353Arg; replaces cysteine 353 with arginine.
Molecular consequence: missense variant.
Genome position (GRCh38, 1-based): chr11:108,247,119, T>C. VCF-style: chr11-108247119-T-C. GRCh37 (hg19) VCF-style: chr11-108117846-T-C.
Other names: c.1057T>C (NM_000051.3); c.1057T>C, p.Cys353Arg (NM_001351834.2); short protein forms C353R.
Identifiers: ClinVar variation 1388875 (VCV001388875.7), dbSNP rs2135269388, ClinGen allele CA382531812.